The following is an entry in ClinVar:

NM_001035235.4(SRA1):c.405G>T (p.Gln135His)

Gene: SRA1 (steroid receptor RNA activator 1; minus strand). Cytogenetic location: 5q31.3.
Variant type: single nucleotide variant.
Coding change: c.405G>T on transcript NM_001035235.4 (MANE Select); coding-DNA position 405, G replaced by T.
Protein change: p.Gln135His; replaces glutamine 135 with histidine.
Molecular consequence: missense variant. On other transcripts: non-coding transcript variant (2).
Genome position (GRCh38, 1-based): chr5:140,551,119, C>A on the plus strand (G>T on the coding strand, the complement: SRA1 is on the minus strand). VCF-style: chr5-140551119-C-A. GRCh37 (hg19) VCF-style: chr5-139930704-C-A.
Other names: c.357G>T, p.Gln119His (NM_001253764.2); c.441G>T (NM_001035235.2); short protein forms Q135H, Q119H.
Identifiers: ClinVar variation 1460611 (VCV001460611.7), dbSNP rs201620894, ClinGen allele CA3440541.
Genomic context (GRCh38, chr5:140,551,119, plus strand): 5'-ACCTTGCACCAGTAGAGCCATTCTCTTCTTTACAGGTATTGACAACTTTCCTCCAGCCCA[C>A]TGTTCCTGCAGCAGTGCCAGGCGTCGGCTGATGTCATCACATACCTGCTTCTAAGAGACA-3'
Protein context (NP_001030312.3, residues 125-145): ISRRLALLQE[Gln135His]WAGGKLSIPV

ClinVar aggregate classification (germline): Uncertain significance. Review status: criteria provided, multiple submitters, no conflicts (2 of 4 stars). 2 submissions from 2 submitters: Uncertain significance (2). Last evaluated 2025-07-20.

Allele frequency attached by ClinVar (database versions not stated): TOPMed 0.00008; gnomAD exomes 0.00011 and 0.00012; gnomAD 0.00014 and 0.00016; ExAC 0.00016.

Submissions (2):

Labcorp Genetics (formerly Invitae), Labcorp
Classification: Uncertain significance. Last evaluated: 2025-07-20. Review status: criteria provided, single submitter. Criteria: Invitae Variant Classification Sherloc (09022015). Collection method: clinical testing. Allele origin: germline.
Comment: This sequence change replaces glutamine, which is neutral and polar, with histidine, which is basic and polar, at codon 147 of the SRA1 protein (p.Gln147His). This variant is present in population databases (rs201620894, gnomAD 0.03%). This variant has not been reported in the literature in individuals affected with SRA1-related conditions. ClinVar contains an entry for this variant (Variation ID: 1460611). An algorithm developed to predict the effect of missense changes on protein structure and function (PolyPhen-2) suggests that this variant is likely to be disruptive. In summary, the available evidence is currently insufficient to determine the role of this variant in disease. Therefore, it has been classified as a Variant of Uncertain Significance.

Ambry Genetics
Classification: Uncertain significance. Last evaluated: 2024-05-30. Review status: criteria provided, single submitter. Criteria: Ambry Variant Classification Scheme 2023. Collection method: clinical testing. Allele origin: germline.